The following is an entry in ClinVar:

ClinVar aggregate classification (germline): Uncertain significance (1 of 4 stars; one submission).

gnomAD v4.1: 2 of 1,613,268 alleles (0.00012%); no homozygotes.

Submission:

Labcorp Genetics (formerly Invitae), Labcorp
Classification: Uncertain significance. Last evaluated: 2022-11-01. Review status: criteria provided, single submitter. Criteria: Invitae Variant Classification Sherloc (09022015). Collection method: clinical testing. Allele origin: germline.
Comment: In summary, the available evidence is currently insufficient to determine the role of this variant in disease. Therefore, it has been classified as a Variant of Uncertain Significance. Advanced modeling of protein sequence and biophysical properties (such as structural, functional, and spatial information, amino acid conservation, physicochemical variation, residue mobility, and thermodynamic stability) performed at Invitae indicates that this missense variant is not expected to disrupt COL11A1 protein function. This variant has not been reported in the literature in individuals affected with COL11A1-related conditions. This variant is not present in population databases (gnomAD no frequency). This sequence change replaces threonine, which is neutral and polar, with proline, which is neutral and non-polar, at codon 208 of the COL11A1 protein (p.Thr208Pro).

NM_001854.4(COL11A1):c.622A>C (p.Thr208Pro)

Gene: COL11A1 (collagen type XI alpha 1 chain; minus strand). Cytogenetic location: 1p21.1.
Variant type: single nucleotide variant.
Coding change: c.622A>C on transcript NM_001854.4 (MANE Select); coding-DNA position 622, A replaced by C.
Protein change: p.Thr208Pro; replaces threonine 208 with proline.
Molecular consequence: missense variant. On other transcripts: non-coding transcript variant (1).
Genome position (GRCh38, 1-based): chr1:103,074,647, T>G on the plus strand (A>C on the coding strand, the complement: COL11A1 is on the minus strand). VCF-style: chr1-103074647-T-G. GRCh37 (hg19) VCF-style: chr1-103540203-T-G.
Other names: c.622A>C, p.Thr208Pro (NM_080629.3, NM_080630.4, NM_001168249.1 and 1 more transcripts); short protein forms T208P.
Identifiers: ClinVar variation 1955435 (VCV001955435.5), dbSNP rs2526144833, ClinGen allele CA341166201.